The following is an entry in ClinVar:

ClinVar aggregate classification (germline): Likely benign (1 of 4 stars; one submission).

Allele frequency attached by ClinVar (database versions not stated): gnomAD exomes 0.00001; gnomAD 0.00002; TOPMed 0.00002.
gnomAD v4.1: 16 of 1,613,810 alleles (0.00099%); highest among the groups gnomAD compares: Middle Eastern, 0.016%; no homozygotes.

Submission:

CeGaT Center for Human Genetics Tuebingen
Classification: Likely benign. Last evaluated: 2022-10-01. Review status: criteria provided, single submitter. Criteria: CeGaT Center For Human Genetics Tuebingen Variant Classification Criteria Version 2. Collection method: clinical testing. Allele origin: germline. Affected: yes. Observed: 1 variant allele.
Comment: SUCO: BP4, BP7

NM_014283.5(SUCO):c.2064G>A (p.Thr688=)

Gene: SUCO (SUN domain containing ossification factor; plus strand). Cytogenetic location: 1q24.3.
Variant type: single nucleotide variant.
Coding change: c.2064G>A on transcript NM_014283.5 (MANE Select); coding-DNA position 2064, G replaced by A.
Protein change: p.Thr688=; no amino-acid change (threonine 688 retained).
Molecular consequence: synonymous variant. On other transcripts: intron variant (1).
Genome position (GRCh38, 1-based): chr1:172,589,165, G>A. VCF-style: chr1-172589165-G-A. GRCh37 (hg19) VCF-style: chr1-172558305-G-A.
Other names: c.375G>A, p.Thr125= (NM_001282751.2); c.2517G>A, p.Thr839= (NM_016227.4); c.1712+241G>A (NM_001282750.2).
Identifiers: ClinVar variation 2639565 (VCV002639565.24), dbSNP rs1006078029, ClinGen allele CA32732604.